The following is an entry in ClinVar:

NM_000548.5(TSC2):c.2580T>C (p.Phe860=)

Gene: TSC2 (TSC complex subunit 2; plus strand). Cytogenetic location: 16p13.3.
Variant type: single nucleotide variant.
Coding change: c.2580T>C on transcript NM_000548.5 (MANE Select); coding-DNA position 2580, T replaced by C.
Protein change: p.Phe860=; no amino-acid change (phenylalanine 860 retained).
Molecular consequence: synonymous variant.
Genome position (GRCh38, 1-based): chr16:2,075,833, T>C. VCF-style: chr16-2075833-T-C. GRCh37 (hg19) VCF-style: chr16-2125834-T-C.
Other names: p.Phe860=; c.2580T>C, p.Phe860= (NM_001077183.3, NM_001114382.3, NM_001363528.2 and 3 more transcripts); c.2469T>C, p.Phe823= (NM_001318827.2); c.2433T>C, p.Phe811= (NM_001318829.2); c.1980T>C, p.Phe660= (NM_001318831.2); c.2613T>C, p.Phe871= (NM_001318832.2); c.2580T>C (NM_000548.4).
Identifiers: ClinVar variation 49573 (VCV000049573.51), dbSNP rs13337626, ClinGen allele CA017676.
Genomic context (GRCh38, chr16:2,075,833, plus strand): 5'-CCTGACCACCCTCTCCATTACCGCAGCTCTGGCCAGGCTGCCGCACCTCTACAGGAACTT[T>C]GCCGCGGAGCAGTATGCCAGTGTGTTCGCCATCTCCCTGCCGTACACCAACCCCTCCAAG-3'
Protein context (NP_000539.2, residues 850-870): LARLPHLYRN[Phe860=]AAEQYASVFA

ClinVar aggregate classification (germline): Benign/Likely benign. Review status: criteria provided, multiple submitters, no conflicts (2 of 4 stars). 23 submissions from 22 submitters: Benign (17); Likely benign (1). 5 of the submissions do not count toward it. Last evaluated 2026-02-04.

Conditions:
Hereditary cancer-predisposing syndrome. Also called: Tumor predisposition; Neoplastic Syndromes, Hereditary; Hereditary neoplastic syndrome; Hereditary Cancer Syndrome. Identifiers: Orphanet 140162, MedGen C0027672, MeSH D009386, MONDO:0015356.
Tuberous sclerosis syndrome (TSC). Also called: Tuberous Sclerosis Complex; Tuberous sclerosis. Identifiers: Orphanet 805, MedGen C0041341, MONDO:0001734.
Tuberous sclerosis 2 (TSC2). Identifiers: Orphanet 805, MedGen C1860707, MONDO:0013199, OMIM 613254.
Lymphangiomyomatosis (LAM). Also called: Lymphangioleiomyomatosis; Lymphangioleiomyomatosis, somatic. Identifiers: Orphanet 538, MedGen C0751674, MONDO:0011705, OMIM 606690.

Allele frequency attached by ClinVar (database versions not stated): gnomAD 0.08017 and 0.07871; ESP Exome Variant Server 0.08626; 1000 Genomes Project 0.06270; 1000 Genomes Project 30x 0.06293; gnomAD exomes 0.06970 and 0.07884; ExAC 0.07246; TOPMed 0.07325.
gnomAD v4.1: 126,699 of 1,612,884 alleles (7.9%); highest among the groups gnomAD compares: African/African-American, 8.9%; 5,307 homozygotes.

Submissions (23):

Labcorp Genetics (formerly Invitae), Labcorp
Classification: Benign for Tuberous sclerosis 2. Last evaluated: 2026-02-04. Review status: criteria provided, single submitter. Criteria: Invitae Variant Classification Sherloc (09022015). Collection method: clinical testing. Allele origin: germline.

ARUP Laboratories, Molecular Genetics and Genomics, ARUP Laboratories
Classification: Benign. Last evaluated: 2025-07-23. Review status: criteria provided, single submitter. Criteria: ARUP Molecular Germline Variant Investigation Process 2024. Collection method: clinical testing. Allele origin: germline.

Myriad Genetics, Inc.
Classification: Benign for Tuberous sclerosis 2. Last evaluated: 2025-05-20. Review status: criteria provided, single submitter. Criteria: Myriad Autosomal Dominant, Autosomal Recessive and X-Linked Classification Criteria (2023). Collection method: clinical testing. Allele origin: unknown.
Comment: This variant is considered benign. This variant is a silent/synonymous amino acid change and it is not expected to impact splicing.

Blueprint Genetics
Classification: Likely benign. Last evaluated: 2024-11-27. Review status: criteria provided, single submitter. Criteria: ACMG Guidelines, 2015. Collection method: clinical testing. Allele origin: germline.

All of Us Research Program, National Institutes of Health
Classification: Benign for Tuberous sclerosis syndrome. Last evaluated: 2024-10-02. Review status: criteria provided, single submitter. Criteria: ACMG Guidelines, 2015. Collection method: clinical testing. Allele origin: germline. Inheritance: Autosomal dominant inheritance. Observed: 20,465 variant alleles, 19,673 heterozygotes, 788 homozygotes, 4 hemizygotes.
Comment: This study involves interpretation of variants in research participants for the purpose of population health screening. Participant phenotype was not available at the time of variant classification. Additional details can be found in publication PMID: 35346344, PMCID: PMC8962531

KCCC/NGS Laboratory, Kuwait Cancer Control Center
Classification: Benign for Tuberous sclerosis 2. Last evaluated: 2023-07-07. Review status: criteria provided, single submitter. Criteria: ACMG Guidelines, 2015. Collection method: clinical testing. Allele origin: germline. Affected: yes.

Mayo Clinic Laboratories, Mayo Clinic
Classification: Benign. Last evaluated: 2022-03-10. Review status: criteria provided, single submitter. Criteria: ACMG Guidelines, 2015. Collection method: clinical testing. Allele origin: germline. Observed: 189 variant alleles.

Genome-Nilou Lab
Classification: Benign for Tuberous sclerosis 2. Last evaluated: 2021-11-07. Review status: criteria provided, single submitter. Criteria: ACMG Guidelines, 2015. Collection method: clinical testing. Allele origin: germline. Affected: no.

Color Diagnostics, LLC DBA Color Health
Classification: Benign for Tuberous sclerosis syndrome. Last evaluated: 2019-03-28. Review status: criteria provided, single submitter. Criteria: ACMG Guidelines, 2015. Collection method: clinical testing. Allele origin: germline.

Illumina Laboratory Services, Illumina
Classification: Benign for Tuberous sclerosis syndrome. Last evaluated: 2018-01-13. Review status: criteria provided, single submitter. Criteria: ICSL Variant Classification Criteria 13 December 2019. Collection method: clinical testing. Allele origin: germline.
Comment: This variant was observed in the ICSL laboratory as part of a predisposition screen in an ostensibly healthy population. It had not been previously curated by ICSL or reported in the Human Gene Mutation Database (HGMD: prior to June 1st, 2018), and was therefore a candidate for classification through an automated scoring system. Utilizing variant allele frequency, disease prevalence and penetrance estimates, and inheritance mode, an automated score was calculated to assess if this variant is too frequent to cause the disease. Based on the score and internal cut-off values, a variant classified as benign is not then subjected to further curation. The score for this variant resulted in a classification of benign for this disease.

Athena Diagnostics
Classification: Benign for Tuberous sclerosis 2. Last evaluated: 2017-04-14. Review status: criteria provided, single submitter. Criteria: Athena Diagnostics Criteria. Collection method: clinical testing. Allele origin: germline.

Women's Health and Genetics/Laboratory Corporation of America, LabCorp
Classification: Benign. Last evaluated: 2016-08-23. Review status: criteria provided, single submitter. Criteria: LabCorp Variant Classification Summary - May 2015. Collection method: clinical testing. Allele origin: germline.
Comment: Variant summary: The TSC2 c.2580T>C (p.Phe860Phe) variant causes a synonymous change involving a non-conserved nucleotide with 4/5 splice prediction tools predicting no significant impact on splicing and alterations to ESE binding, however, these predictions have yet to be functionally assessed. The variant of interest was observed in the large, broad control population, ExAC, with an allele frequency of 8679/119772 (1/13, 390 homozygotes), which significantly exceeds the estimated maximal expected allele frequency for a pathogenic TSC2 variant of 1/14534, suggesting this variant is likely a benign polymorphism. In addition, multiple reputable clinical laboratories/databases cite the variant as "likely benign/benign." Therefore, the variant of interest has been classified as Benign.

GeneDx
Classification: Benign. Last evaluated: 2015-03-03. Review status: criteria provided, single submitter. Criteria: GeneDx Variant Classification Process June 2021. Collection method: clinical testing. Allele origin: germline. Affected: yes.

Ambry Genetics
Classification: Benign for Hereditary cancer-predisposing syndrome. Last evaluated: 2014-11-19. Review status: criteria provided, single submitter. Criteria: Ambry Variant Classification Scheme 2023. Collection method: clinical testing. Allele origin: germline.

Eurofins Ntd Llc (ga)
Classification: Benign. Last evaluated: 2014-10-16. Review status: criteria provided, single submitter. Criteria: EGL Classification Definitions 2015. Collection method: clinical testing. Allele origin: germline. Observed: 1 variant allele, 1 heterozygote.

Laboratory for Molecular Medicine, Mass General Brigham Personalized Medicine
Classification: Benign. Last evaluated: 2013-02-21. Review status: criteria provided, single submitter. Criteria: LMM Criteria. Collection method: clinical testing. Allele origin: germline. Observed: 6 variant alleles.
Comment: Phe860Phe in exon 23 of TSC2: This variant is not expected to have clinical sign ificance because it does not alter an amino acid residue and is not located with in the splice consensus sequence. It has been identified in 8.7% (381/4396) of A frican American chromosomes from a broad population by the NHLBI Exome Sequencin g Project (dbSNP rs13337626).

Breakthrough Genomics
Classification: Benign. Review status: criteria provided, single submitter. Criteria: ACMG Guidelines, 2015. Collection method: not provided. Allele origin: germline. Inheritance: Autosomal dominant inheritance. Affected: yes.

PreventionGenetics, part of Exact Sciences
Classification: Benign. Review status: criteria provided, single submitter. Criteria: ACMG Guidelines, 2015. Collection method: clinical testing. Allele origin: germline.

Clinical Genetics DNA and cytogenetics Diagnostics Lab, Erasmus MC, Erasmus Medical Center
Classification: Benign. Review status: no assertion criteria provided. Collection method: clinical testing. Allele origin: germline. Affected: yes. Study: VKGL Data-share Consensus. Not counted in ClinVar's aggregate classification.

Clinical Genetics, Academic Medical Center
Classification: Benign. Review status: no assertion criteria provided. Collection method: clinical testing. Allele origin: germline. Affected: yes. Study: VKGL Data-share Consensus. Not counted in ClinVar's aggregate classification.

Genetic Services Laboratory, University of Chicago
Classification: Likely benign for AllHighlyPenetrant. Review status: no assertion criteria provided. Collection method: clinical testing. Allele origin: germline. Inheritance: Autosomal dominant inheritance. Not counted in ClinVar's aggregate classification.
Comment: Likely benign based on allele frequency in 1000 Genomes Project or ESP global frequency and its presence in a patient with a rare or unrelated disease phenotype. NOT Sanger confirmed.

Tuberous sclerosis database (TSC2)
No classification provided. Condition: TSC. Review status: no classification provided. Criteria: Tuberous Sclerosis Database Assertion Criteria 2015. Collection method: curation. Allele origin: germline. Affected: yes and no. Not counted in ClinVar's aggregate classification.

Tuberous sclerosis database (TSC2)
No classification provided. Condition: LAM. Review status: no classification provided. Criteria: Tuberous Sclerosis Database Assertion Criteria 2015. Collection method: curation. Allele origin: germline. Affected: yes. Not counted in ClinVar's aggregate classification.